The following is an entry in ClinVar:

NM_001961.4(EEF2):c.*3G>A

Gene: EEF2 (eukaryotic translation elongation factor 2; minus strand). Cytogenetic location: 19p13.3.
Variant type: single nucleotide variant.
Coding change: c.*3G>A on transcript NM_001961.4 (MANE Select); 3 bases downstream of the stop codon, G replaced by A.
Molecular consequence: 3 prime UTR variant.
Genome position (GRCh38, 1-based): chr19:3,976,551, C>T on the plus strand (G>A on the coding strand, the complement: EEF2 is on the minus strand). VCF-style: chr19-3976551-C-T. GRCh37 (hg19) VCF-style: chr19-3976549-C-T.
Identifiers: ClinVar variation 994601 (VCV000994601.7), dbSNP rs2230566, ClinGen allele CA9088497.

ClinVar aggregate classification (germline): Benign. Review status: criteria provided, multiple submitters, no conflicts (2 of 4 stars). 4 submissions from 4 submitters: Benign (3). 1 of the submissions does not count toward it. Last evaluated 2023-11-16.

Conditions:
EEF2-related disorder. Also called: EEF2-related condition.

Allele frequency attached by ClinVar (database versions not stated): gnomAD exomes 0.00892 and 0.02272; ExAC 0.04833; gnomAD 0.09111 and 0.09803; 1000 Genomes Project 0.09385; 1000 Genomes Project 30x 0.09822; ESP Exome Variant Server 0.10391; TOPMed 0.10404.

Submissions (4):

Athena Diagnostics
Classification: Benign. Last evaluated: 2023-11-16. Review status: criteria provided, single submitter. Criteria: Athena Diagnostics Criteria. Collection method: clinical testing. Allele origin: unknown.

GeneDx
Classification: Benign. Last evaluated: 2021-05-04. Review status: criteria provided, single submitter. Criteria: GeneDx Variant Classification Process June 2021. Collection method: clinical testing. Allele origin: germline. Affected: yes.

Breakthrough Genomics
Classification: Benign. Review status: criteria provided, single submitter. Criteria: ACMG Guidelines, 2015. Collection method: not provided. Allele origin: germline. Inheritance: Autosomal dominant inheritance. Affected: yes.

PreventionGenetics, part of Exact Sciences
Classification: Benign for EEF2-related condition. Last evaluated: 2019-10-28. Review status: no assertion criteria provided. Collection method: clinical testing. Allele origin: germline. Not counted in ClinVar's aggregate classification.
Comment: This variant is classified as benign based on ACMG/AMP sequence variant interpretation guidelines (Richards et al. 2015 PMID: 25741868, with internal and published modifications).